The following is an entry in ClinVar:

ClinVar aggregate classification (germline): Uncertain significance (1 of 4 stars; one submission).

Submission:

Labcorp Genetics (formerly Invitae), Labcorp
Classification: Uncertain significance. Last evaluated: 2024-12-02. Review status: criteria provided, single submitter. Criteria: Invitae Variant Classification Sherloc (09022015). Collection method: clinical testing. Allele origin: germline.
Comment: This sequence change falls in intron 30 of the DSCAML1 gene. It does not directly change the encoded amino acid sequence of the DSCAML1 protein. This variant is not present in population databases (gnomAD no frequency). This variant has not been reported in the literature in individuals affected with DSCAML1-related conditions. ClinVar contains an entry for this variant (Variation ID: 2102795). Experimental studies and prediction algorithms are not available or were not evaluated, and the effect of this variant on mRNA splicing is currently unknown. In summary, the available evidence is currently insufficient to determine the role of this variant in disease. Therefore, it has been classified as a Variant of Uncertain Significance.

NM_020693.4(DSCAML1):c.5180-16_5181dup

Gene: DSCAML1 (DS cell adhesion molecule like 1; minus strand). Cytogenetic location: 11q23.3.
Variant type: Duplication.
Coding change: c.5180-16_5181dup on transcript NM_020693.4 (MANE Select); 16 bases into the intron before coding-DNA position 5180 through coding-DNA position 5181, 18 bases duplicated (GCTTCTGTCTGTGCAGAT).
Molecular consequence: splice acceptor variant.
Genome position (GRCh38, 1-based): chr11:117,431,727-117,431,744, ATCTGCACAGACAGAAGC duplicated on the plus strand (GCTTCTGTCTGTGCAGAT on the coding strand, the reverse complement: DSCAML1 is on the minus strand); duplicating any 18 consecutive bases within chr11:117,431,727-117,431,745 gives the same sequence; the c. name uses the placement nearest the transcript's 3' end. VCF-style (leftmost placement, unchanged base first): chr11-117431726-G-GATCTGCACAGACAGAAGC. GRCh37 (hg19) VCF-style: chr11-117302442-G-GATCTGCACAGACAGAAGC.
Identifiers: ClinVar variation 2102795 (VCV002102795.4), dbSNP rs2542969092, ClinGen allele CA2580083541.